The following is an entry in ClinVar:

NM_005068.3(SIM1):c.1985A>G (p.Asn662Ser)

Gene: SIM1 (SIM bHLH transcription factor 1; minus strand). Cytogenetic location: 6q16.3.
Variant type: single nucleotide variant.
Coding change: c.1985A>G on transcript NM_005068.3 (MANE Select); coding-DNA position 1985, A replaced by G.
Protein change: p.Asn662Ser; replaces asparagine 662 with serine.
Molecular consequence: missense variant.
Genome position (GRCh38, 1-based): chr6:100,390,677, T>C on the plus strand (A>G on the coding strand, the complement: SIM1 is on the minus strand). VCF-style: chr6-100390677-T-C. GRCh37 (hg19) VCF-style: chr6-100838553-T-C.
Other names: c.1985A>G, p.Asn662Ser (NM_001374769.1); short protein forms N662S.
Identifiers: ClinVar variation 3365930 (VCV003365930.1).
Genomic context (GRCh38, chr6:100,390,677, plus strand): 5'-ATATCCGAATGCAGATAGTCTTTAGCTAGGATCAAACTGGATTTTGAAATGCGATCCGAA[T>C]TGGGACTACTTATCCGAGATAGTGCGGTGGGACTGTTGTCATAGTCATTTTCATGGGGGC-3'
Protein context (NP_005059.2, residues 652-672): PTALSRISSP[Asn662Ser]SDRISKSSLI

ClinVar aggregate classification (germline): Uncertain significance (1 of 4 stars; one submission).

gnomAD v4.1: 4 of 1,614,194 alleles (0.00025%); highest among the groups gnomAD compares: Non-Finnish European, 0.00025%; no homozygotes.

Submission:

GeneDx
Classification: Uncertain significance. Last evaluated: 2023-10-11. Review status: criteria provided, single submitter. Criteria: GeneDx Variant Classification Process June 2021. Collection method: clinical testing. Allele origin: germline. Affected: yes.
Comment: Not observed at significant frequency in large population cohorts (gnomAD); In silico analysis supports that this missense variant does not alter protein structure/function; Has not been previously published as pathogenic or benign to our knowledge